The following is an entry in ClinVar:

ClinVar aggregate classification (germline): Benign/Likely benign. Review status: criteria provided, multiple submitters, no conflicts (2 of 4 stars). 3 submissions from 3 submitters: Benign (2); Likely benign (1). Last evaluated 2024-12-13.

Conditions:
Goldberg-Shprintzen syndrome. Identifiers: Orphanet 66629, MedGen C1836123, MONDO:0012280, OMIM 609460.

Allele frequency attached by ClinVar (database versions not stated): TOPMed 0.00034; 1000 Genomes Project 0.00040; 1000 Genomes Project 30x 0.00047.
gnomAD v4.1: 217 of 1,613,618 alleles (0.013%); highest among the groups gnomAD compares: East Asian, 0.45%; 1 homozygote.

Submissions (3):

Athena Diagnostics
Classification: Benign. Last evaluated: 2024-12-13. Review status: criteria provided, single submitter. Criteria: Athena Diagnostics Criteria. Collection method: clinical testing. Allele origin: unknown.
Comment: The frequency of this variant in the general population is higher than would generally be expected for pathogenic variants in this gene. Computational tools predict this amino acid change may be benign.

Labcorp Genetics (formerly Invitae), Labcorp
Classification: Benign. Last evaluated: 2022-04-10. Review status: criteria provided, single submitter. Criteria: Invitae Variant Classification Sherloc (09022015). Collection method: clinical testing. Allele origin: germline.

Illumina Laboratory Services, Illumina
Classification: Likely benign for Goldberg-Shprintzen syndrome. Last evaluated: 2018-01-13. Review status: criteria provided, single submitter. Criteria: ICSL Variant Classification Criteria 13 December 2019. Collection method: clinical testing. Allele origin: germline.
Comment: This variant was observed in the ICSL laboratory as part of a predisposition screen in an ostensibly healthy population. It had not been previously curated by ICSL or reported in the Human Gene Mutation Database (HGMD: prior to June 1st, 2018), and was therefore a candidate for classification through an automated scoring system. Utilizing variant allele frequency, disease prevalence and penetrance estimates, and inheritance mode, an automated score was calculated to assess if this variant is too frequent to cause the disease. Based on the score and internal cut-off values, a variant classified as likely benign is not then subjected to further curation. The score for this variant resulted in a classification of likely benign for this disease.

NM_015634.4(KIFBP):c.202G>C (p.Gly68Arg)

Gene: KIFBP (kinesin family binding protein; plus strand). Cytogenetic location: 10q22.1.
Variant type: single nucleotide variant.
Coding change: c.202G>C on transcript NM_015634.4 (MANE Select); coding-DNA position 202, G replaced by C.
Protein change: p.Gly68Arg; replaces glycine 68 with arginine.
Molecular consequence: missense variant.
Genome position (GRCh38, 1-based): chr10:68,989,034, G>C. VCF-style: chr10-68989034-G-C. GRCh37 (hg19) VCF-style: chr10-70748790-G-C.
Other names: short protein forms G68R.
Identifiers: ClinVar variation 878715 (VCV000878715.9), dbSNP rs201068859, ClinGen allele CA5529637.